The following is an entry in ClinVar:

NM_002382.5(MAX):c.172-6265_172-6260delinsGCTC

Gene: MAX (MYC associated factor X; minus strand). Cytogenetic location: 14q23.3.
Variant type: Indel.
Coding change: c.172-6265_172-6260delinsGCTC on transcript NM_002382.5 (MANE Select); 6265 bases into the intron before coding-DNA position 172 through 6260 bases into the intron before coding-DNA position 172, AGCTCT replaced by GCTC.
Molecular consequence: intron variant. On other transcripts: splice acceptor variant (4).
Genome position (GRCh38, 1-based): chr14:65,084,296-65,084,301, AGAGCT replaced by GAGC on the plus strand (AGCTCT replaced by GCTC on the coding strand, the reverse complement: MAX is on the minus strand). VCF-style: chr14-65084296-AGAGCT-GAGC. GRCh37 (hg19) VCF-style: chr14-65551014-AGAGCT-GAGC.
Other names: c.144+9407_144+9412delinsGCTC (NM_001271069.2); c.171+9407_171+9412delinsGCTC (NM_197957.4); c.-196-6265_-196-6260delinsGCTC (NM_001407112.1, NM_001407111.1); c.-103-6265_-103-6260delinsGCTC (NM_001407106.1, NM_001407107.1, NM_001320415.2 and 1 more transcripts); c.145-6265_145-6260delinsGCTC (NM_001407095.1, NM_001407110.1, NM_001407102.1 and 6 more transcripts); c.172-6265_172-6260delinsGCTC (NM_001407094.1, NM_001407104.1, NM_001407103.1 and 3 more transcripts); c.64-6265_64-6260delinsGCTC (NM_001407098.1); c.145-2_148delinsGCTC (NM_001407113.1, NM_001271068.2); and 2 more.
Identifiers: ClinVar variation 3370745 (VCV003370745.1).

ClinVar aggregate classification (germline): Uncertain significance (1 of 4 stars; one submission).

Submission:

GeneDx
Classification: Uncertain significance. Last evaluated: 2024-03-22. Review status: criteria provided, single submitter. Criteria: GeneDx Variant Classification Process June 2021. Collection method: clinical testing. Allele origin: germline. Affected: yes.
Comment: Not observed at significant frequency in large population cohorts (gnomAD); In silico analysis supports a deleterious effect on splicing; Has not been previously published as pathogenic or benign to our knowledge; Reported using an alternate transcript of the gene